The following is an entry in ClinVar:

NM_032444.4(SLX4):c.4534G>A (p.Asp1512Asn)

Gene: SLX4 (SLX4 structure-specific endonuclease subunit; minus strand). Cytogenetic location: 16p13.3.
Variant type: single nucleotide variant.
Coding change: c.4534G>A on transcript NM_032444.4 (MANE Select); coding-DNA position 4534, G replaced by A.
Protein change: p.Asp1512Asn; replaces aspartic acid 1512 with asparagine.
Molecular consequence: missense variant.
Genome position (GRCh38, 1-based): chr16:3,589,104, C>T on the plus strand (G>A on the coding strand, the complement: SLX4 is on the minus strand). VCF-style: chr16-3589104-C-T. GRCh37 (hg19) VCF-style: chr16-3639105-C-T.
Other names: short protein forms D1512N.
Identifiers: ClinVar variation 2140000 (VCV002140000.4), dbSNP rs1261615541, ClinGen allele CA394516942.

ClinVar aggregate classification (germline): Uncertain significance (1 of 4 stars; one submission).

Conditions:
Fanconi anemia (FA). Also called: Fanconi's anemia. Identifiers: Orphanet 84, MedGen C0015625, MeSH D005199, MONDO:0019391.

gnomAD v4.1: 10 of 1,614,178 alleles (0.00062%); highest among the groups gnomAD compares: Admixed American, 0.0067%; no homozygotes.

Submission:

Labcorp Genetics (formerly Invitae), Labcorp
Classification: Uncertain significance for Fanconi anemia. Last evaluated: 2022-04-19. Review status: criteria provided, single submitter. Criteria: Invitae Variant Classification Sherloc (09022015). Collection method: clinical testing. Allele origin: germline.
Comment: In summary, the available evidence is currently insufficient to determine the role of this variant in disease. Therefore, it has been classified as a Variant of Uncertain Significance. Algorithms developed to predict the effect of missense changes on protein structure and function are either unavailable or do not agree on the potential impact of this missense change (SIFT: "Deleterious"; PolyPhen-2: "Possibly Damaging"; Align-GVGD: "Class C0"). This missense change has been observed in individual(s) with head and neck cancer (PMID: 28678401). This variant is present in population databases (no rsID available, gnomAD 0.009%). This sequence change replaces aspartic acid, which is acidic and polar, with asparagine, which is neutral and polar, at codon 1512 of the SLX4 protein (p.Asp1512Asn).

Literature cited by the submitters: PubMed 28678401.